The following is an entry in ClinVar:

NM_182925.5(FLT4):c.2500G>A (p.Asp834Asn)

Genes: FLT4 (fms related receptor tyrosine kinase 4; minus strand), LOC126807632 (CDK7 strongly-dependent group 2 enhancer GRCh37_chr5:180046831-180048030; plus strand). Cytogenetic location: 5q35.3.
Variant type: single nucleotide variant.
Coding change: c.2500G>A on transcript NM_182925.5 (MANE Select); coding-DNA position 2500, G replaced by A.
Protein change: p.Asp834Asn; replaces aspartic acid 834 with asparagine.
Molecular consequence: missense variant.
Genome position (GRCh38, 1-based): chr5:180,620,215, C>T on the plus strand (G>A on the coding strand, the complement: FLT4 is on the minus strand). VCF-style: chr5-180620215-C-T. GRCh37 (hg19) VCF-style: chr5-180047215-C-T.
Other names: c.2500G>A, p.Asp834Asn (NM_001354989.2, NM_002020.5); short protein forms D834N.
Identifiers: ClinVar variation 3239173 (VCV003239173.19), dbSNP rs201205543.

ClinVar aggregate classification (germline): Likely benign (1 of 4 stars; one submission).

Allele frequency attached by ClinVar (database versions not stated): TOPMed 0.00005; ESP Exome Variant Server 0.00008; gnomAD 0.00010; gnomAD exomes 0.00019; 1000 Genomes Project 30x 0.00031; 1000 Genomes Project 0.00040; ExAC 0.00041.
gnomAD v4.1: 297 of 1,610,988 alleles (0.018%); highest among the groups gnomAD compares: South Asian, 0.29%; no homozygotes.

Submission:

CeGaT Center for Human Genetics Tuebingen
Classification: Likely benign. Last evaluated: 2024-04-01. Review status: criteria provided, single submitter. Criteria: CeGaT Center For Human Genetics Tuebingen Variant Classification Criteria Version 2. Collection method: clinical testing. Allele origin: germline. Affected: yes. Observed: 1 variant allele.
Comment: FLT4: BS1